The following is an entry in ClinVar:

ClinVar aggregate classification (germline): Uncertain significance (1 of 4 stars; one submission).

gnomAD v4.1: 203 of 1,572,206 alleles (0.013%); highest among the groups gnomAD compares: East Asian, 0.19%; no homozygotes.

Submission:

Women's Health and Genetics/Laboratory Corporation of America, LabCorp
Classification: Uncertain significance. Last evaluated: 2026-05-26. Review status: criteria provided, single submitter. Criteria: LabCorp Variant Classification Summary - May 2015. Collection method: clinical testing. Allele origin: germline.
Comment: Variant summary: GLI1 c.1595G>A (p.Arg532His) results in a non-conservative amino acid change in the encoded protein sequence. Algorithms developed to predict the effect of missense changes on protein structure and function are either unavailable or do not agree on the potential impact of this missense change. The variant allele was found at a frequency of 0.00027 in 218726 control chromosomes. This frequency is not significantly higher than estimated for disease-causing variants in GLI1, allowing no conclusion about variant significance. To our knowledge, no occurrence of c.1595G>A in individuals affected with GLI1-related conditions and no experimental evidence demonstrating its impact on protein function have been reported. No submitters have cited clinical-significance assessments for this variant to ClinVar. Based on the evidence outlined above, the variant was classified as uncertain significance.

NM_005269.3(GLI1):c.1595G>A (p.Arg532His)

Gene: GLI1 (GLI family zinc finger 1; plus strand). Cytogenetic location: 12q13.3.
Variant type: single nucleotide variant.
Coding change: c.1595G>A on transcript NM_005269.3 (MANE Select); coding-DNA position 1595, G replaced by A.
Protein change: p.Arg532His; replaces arginine 532 with histidine.
Molecular consequence: missense variant.
Genome position (GRCh38, 1-based): chr12:57,470,335, G>A. VCF-style: chr12-57470335-G-A. GRCh37 (hg19) VCF-style: chr12-57864118-G-A.
Other names: c.1211G>A, p.Arg404His (NM_001160045.2); c.1472G>A, p.Arg491His (NM_001167609.2); short protein forms R404H, R491H, R532H.
Identifiers: ClinVar variation 4853680 (VCV004853680.1).